The following is an entry in ClinVar:

NM_001128178.3(NPHP1):c.1599T>A (p.Leu533=)

Gene: NPHP1 (nephrocystin 1; minus strand). Cytogenetic location: 2q13.
Variant type: single nucleotide variant.
Coding change: c.1599T>A on transcript NM_001128178.3 (MANE Select); coding-DNA position 1599, T replaced by A.
Protein change: p.Leu533=; no amino-acid change (leucine 533 retained).
Molecular consequence: synonymous variant.
Genome position (GRCh38, 1-based): chr2:110,131,722, A>T on the plus strand (T>A on the coding strand, the complement: NPHP1 is on the minus strand). VCF-style: chr2-110131722-A-T. GRCh37 (hg19) VCF-style: chr2-110889299-A-T.
Other names: c.1767T>A, p.Leu589= (NM_000272.5); c.1410T>A, p.Leu470= (NM_001128179.3); c.1596T>A, p.Leu532= (NM_001374256.1); c.1599T>A, p.Leu533= (NM_001374257.1); c.1764T>A, p.Leu588= (NM_207181.4).
Identifiers: ClinVar variation 1352475 (VCV001352475.8), dbSNP rs2104437967, ClinGen allele CA427921856.

ClinVar aggregate classification (germline): Uncertain significance (1 of 4 stars; one submission).

Conditions:
Nephronophthisis. Also called: Juvenile Nephronophthisis. Identifiers: Orphanet 655, MedGen C0687120, MONDO:0019005, HP:0000090.

Submission:

Labcorp Genetics (formerly Invitae), Labcorp
Classification: Uncertain significance for Nephronophthisis. Last evaluated: 2020-12-01. Review status: criteria provided, single submitter. Criteria: Invitae Variant Classification Sherloc (09022015). Collection method: clinical testing. Allele origin: germline.
Comment: This sequence change affects codon 589 of the NPHP1 mRNA. It is a 'silent' change, meaning that it does not change the encoded amino acid sequence of the NPHP1 protein. This variant is not present in population databases (ExAC no frequency). This variant has not been reported in the literature in individuals with NPHP1-related conditions. Algorithms developed to predict the effect of sequence changes on RNA splicing suggest that this variant may create or strengthen a splice site, but this prediction has not been confirmed by published transcriptional studies. In summary, the available evidence is currently insufficient to determine the role of this variant in disease. Therefore, it has been classified as a Variant of Uncertain Significance.